The following is an entry in ClinVar:

NM_020964.3(EPG5):c.3175C>T (p.His1059Tyr)

Gene: EPG5 (ectopic P-granules 5 autophagy tethering factor; minus strand). Cytogenetic location: 18q21.1.
Variant type: single nucleotide variant.
Coding change: c.3175C>T on transcript NM_020964.3 (MANE Select); coding-DNA position 3175, C replaced by T.
Protein change: p.His1059Tyr; replaces histidine 1059 with tyrosine.
Molecular consequence: missense variant.
Genome position (GRCh38, 1-based): chr18:45,917,743, G>A on the plus strand (C>T on the coding strand, the complement: EPG5 is on the minus strand). VCF-style: chr18-45917743-G-A. GRCh37 (hg19) VCF-style: chr18-43497708-G-A.
Other names: short protein forms H1059Y.
Identifiers: ClinVar variation 936563 (VCV000936563.4), dbSNP rs200633997, ClinGen allele CA8949247.
Genomic context (GRCh38, chr18:45,917,743, plus strand): 5'-CATTCTTCAGAAGGTAATACTGGCAAGGGTAAAATAAAGGCAGAATCTTATCCAGGACAT[G>A]AACCACTGTTCTCAAATGTCTTGACTGGACCAGAATTCCCAATAGTGGGATGCCTTCTGC-3'
Protein context (NP_066015.2, residues 1049-1069): VQSRHLRTVV[His1059Tyr]VLDKILPLFY

ClinVar aggregate classification (germline): Uncertain significance (1 of 4 stars; one submission).

Conditions:
Vici syndrome (VICIS). Identifiers: Orphanet 1493, MedGen C1855772, MONDO:0009452, OMIM 242840.

Allele frequency attached by ClinVar (database versions not stated): ExAC 0.00001; gnomAD exomes 0.00001; TOPMed 0.00001; gnomAD 0.00002.
gnomAD v4.1: 23 of 1,613,932 alleles (0.0014%); highest among the groups gnomAD compares: Non-Finnish European, 0.0019%; no homozygotes.

Submission:

Labcorp Genetics (formerly Invitae), Labcorp
Classification: Uncertain significance for Vici syndrome. Last evaluated: 2024-10-21. Review status: criteria provided, single submitter. Criteria: Invitae Variant Classification Sherloc (09022015). Collection method: clinical testing. Allele origin: germline.
Comment: This sequence change replaces histidine, which is basic and polar, with tyrosine, which is neutral and polar, at codon 1059 of the EPG5 protein (p.His1059Tyr). This variant is present in population databases (rs200633997, gnomAD 0.002%). This variant has not been reported in the literature in individuals affected with EPG5-related conditions. ClinVar contains an entry for this variant (Variation ID: 936563). Invitae Evidence Modeling of protein sequence and biophysical properties (such as structural, functional, and spatial information, amino acid conservation, physicochemical variation, residue mobility, and thermodynamic stability) indicates that this missense variant is expected to disrupt EPG5 protein function with a positive predictive value of 80%. In summary, the available evidence is currently insufficient to determine the role of this variant in disease. Therefore, it has been classified as a Variant of Uncertain Significance.